The following is an entry in ClinVar:

NM_032888.4(COL27A1):c.63-1G>A

Gene: COL27A1 (collagen type XXVII alpha 1 chain; plus strand). Cytogenetic location: 9q32.
Variant type: single nucleotide variant.
Coding change: c.63-1G>A on transcript NM_032888.4 (MANE Select); the canonical splice acceptor site of the intron before coding-DNA position 63, G replaced by A.
Molecular consequence: splice acceptor variant.
Genome position (GRCh38, 1-based): chr9:114,162,714, G>A. VCF-style: chr9-114162714-G-A. GRCh37 (hg19) VCF-style: chr9-116924994-G-A.
Identifiers: ClinVar variation 1066202 (VCV001066202.7), dbSNP rs2135027384, ClinGen allele CA374586544.

ClinVar aggregate classification (germline): Likely pathogenic (1 of 4 stars; one submission).

Submission:

Labcorp Genetics (formerly Invitae), Labcorp
Classification: Likely pathogenic. Last evaluated: 2020-08-01. Review status: criteria provided, single submitter. Criteria: Invitae Variant Classification Sherloc (09022015). Collection method: clinical testing. Allele origin: germline.
Comment: This variant has not been reported in the literature in individuals with COL27A1-related conditions. This sequence change affects an acceptor splice site in intron 1 of the COL27A1 gene. It is expected to disrupt RNA splicing and likely results in an absent or disrupted protein product. This variant is not present in population databases (ExAC no frequency). Algorithms developed to predict the effect of sequence changes on RNA splicing suggest that this variant may disrupt the consensus splice site, but this prediction has not been confirmed by published transcriptional studies. Donor and acceptor splice site variants typically lead to a loss of protein function (PMID: 16199547), and loss-of-function variants in COL27A1 are known to be pathogenic (PMID: 24986830, 28276056). In summary, the currently available evidence indicates that the variant is pathogenic, but additional data are needed to prove that conclusively. Therefore, this variant has been classified as Likely Pathogenic.

Literature cited by the submitters: PubMed 16199547; PubMed 24986830; PubMed 28276056.